The following is an entry in ClinVar:

NM_000088.4(COL1A1):c.2085del (p.Arg697fs)

Gene: COL1A1 (collagen type I alpha 1 chain; minus strand). Cytogenetic location: 17q21.33.
Variant type: Deletion.
Coding change: c.2085del on transcript NM_000088.4 (MANE Select); coding-DNA position 2085, one base deleted (T; older notation c.2085delT).
Protein change: p.Arg697fs; shifts the reading frame from arginine 697.
Molecular consequence: frameshift variant.
Genome position (GRCh38, 1-based): chr17:50,191,830, A deleted on the plus strand (T on the coding strand, the reverse complement: COL1A1 is on the minus strand). VCF-style (leftmost placement, unchanged base first): chr17-50191829-GA-G. GRCh37 (hg19) VCF-style: chr17-48269190-GA-G.
Other names: short protein forms R697fs.
Identifiers: ClinVar variation 1453454 (VCV001453454.6), dbSNP rs2144560315, ClinGen allele CA2573154254.

ClinVar aggregate classification (germline): Pathogenic (1 of 4 stars; one submission).

Conditions:
Osteogenesis imperfecta type I (OI1). Also called: Lobstein disease; Classic Non-deforming Osteogenesis Imperfecta with Blue Sclerae; OI, TYPE I; OSTEOGENESIS IMPERFECTA TARDA; OSTEOGENESIS IMPERFECTA WITH BLUE SCLERAE; Osteogenesis imperfecta type 1. Identifiers: Orphanet 216796, Orphanet 666, MedGen C0023931, MONDO:0008146, OMIM 166200. Disease mechanism: loss of function.

Submission:

Labcorp Genetics (formerly Invitae), Labcorp
Classification: Pathogenic for Osteogenesis imperfecta type I. Last evaluated: 2021-02-05. Review status: criteria provided, single submitter. Criteria: Invitae Variant Classification Sherloc (09022015). Collection method: clinical testing. Allele origin: germline.
Comment: For these reasons, this variant has been classified as Pathogenic. This variant has not been reported in the literature in individuals with COL1A1-related conditions. This variant is not present in population databases (ExAC no frequency). This sequence change creates a premature translational stop signal (p.Arg697Glufs*69) in the COL1A1 gene. It is expected to result in an absent or disrupted protein product. Loss-of-function variants in COL1A1 are known to be pathogenic (PMID: 7942841, 9295084, 9443882).

Literature cited by the submitters: PubMed 7942841; PubMed 9295084; PubMed 9443882.